The following is an entry in ClinVar:

ClinVar aggregate classification (germline): Pathogenic (1 of 4 stars; one submission).

Conditions:
Sphingolipid activator protein 1 deficiency. Also called: Metachromatic leukodystrophy due to saposin B deficiency; METACHROMATIC LEUKODYSTROPHY DUE TO CEREBROSIDE SULFATASE ACTIVATOR DEFICIENCY; Saposin B Deficiency. Identifiers: Orphanet 512, MedGen C0268262, MONDO:0009590, OMIM 249900.

Submission:

Labcorp Genetics (formerly Invitae), Labcorp
Classification: Pathogenic for Sphingolipid activator protein 1 deficiency. Last evaluated: 2022-04-27. Review status: criteria provided, single submitter. Criteria: Invitae Variant Classification Sherloc (09022015). Collection method: clinical testing. Allele origin: germline.
Comment: This variant results in the deletion of exons 9-12 and part of exon 8 (c.902_1432-104del) of the PSAP gene. It is expected to disrupt RNA splicing. Variants that disrupt the donor or acceptor splice site typically lead to a loss of protein function (PMID: 16199547), and loss-of-function variants in PSAP are known to be pathogenic (PMID: 8554069, 11309366, 17616409, 19267410, 30632081). This variant has not been reported in the literature in individuals affected with PSAP-related conditions. This variant disrupts a region of the PSAP protein in which other variant(s) (p.Leu349Pro) have been determined to be pathogenic (PMID: 17919309, 24925315). This suggests that this is a clinically significant region of the protein, and that variants that disrupt it are likely to be disease-causing. For these reasons, this variant has been classified as Pathogenic.

Literature cited by the submitters: PubMed 16199547; PubMed 8554069; PubMed 11309366; PubMed 17616409; PubMed 19267410; PubMed 30632081; PubMed 17919309; PubMed 24925315.

NC_000010.10:g.(?_73578585)_(73581640_?)del

Gene: PSAP (prosaposin; minus strand). Cytogenetic location: 10q22.1.
Variant type: Deletion.
Identifiers: ClinVar variation 2424541 (VCV002424541.5).